The following is an entry in ClinVar:

NM_012469.4(PRPF6):c.1861G>A (p.Ala621Thr)

Gene: PRPF6 (pre-mRNA processing factor 6; plus strand). Cytogenetic location: 20q13.33.
Variant type: single nucleotide variant.
Coding change: c.1861G>A on transcript NM_012469.4 (MANE Select); coding-DNA position 1861, G replaced by A.
Protein change: p.Ala621Thr; replaces alanine 621 with threonine.
Molecular consequence: missense variant.
Genome position (GRCh38, 1-based): chr20:64,024,646, G>A. VCF-style: chr20-64024646-G-A. GRCh37 (hg19) VCF-style: chr20-62655999-G-A.
Other names: short protein forms A621T.
Identifiers: ClinVar variation 1487682 (VCV001487682.6), dbSNP rs2059280023, ClinGen allele CA409736023.

ClinVar aggregate classification (germline): Uncertain significance (1 of 4 stars; one submission).

Allele frequency attached by ClinVar (database versions not stated): gnomAD exomes below 0.00001; TOPMed below 0.00001.
gnomAD v4.1: 1 of 1,613,700 alleles (0.000062%); highest among the groups gnomAD compares: Admixed American, 0.0017%; no homozygotes.

Submission:

Labcorp Genetics (formerly Invitae), Labcorp
Classification: Uncertain significance. Last evaluated: 2024-04-22. Review status: criteria provided, single submitter. Criteria: Invitae Variant Classification Sherloc (09022015). Collection method: clinical testing. Allele origin: germline.
Comment: This sequence change replaces alanine, which is neutral and non-polar, with threonine, which is neutral and polar, at codon 621 of the PRPF6 protein (p.Ala621Thr). This variant is not present in population databases (gnomAD no frequency). This variant has not been reported in the literature in individuals affected with PRPF6-related conditions. ClinVar contains an entry for this variant (Variation ID: 1487682). Advanced modeling of protein sequence and biophysical properties (such as structural, functional, and spatial information, amino acid conservation, physicochemical variation, residue mobility, and thermodynamic stability) performed at Invitae indicates that this missense variant is not expected to disrupt PRPF6 protein function with a negative predictive value of 80%. In summary, the available evidence is currently insufficient to determine the role of this variant in disease. Therefore, it has been classified as a Variant of Uncertain Significance.